The following continues an entry in ClinVar:

NM_001371623.1(TCOF1):c.3604-3C>T

Gene: TCOF1. ClinVar aggregate classification (germline): Benign/Likely benign. Benign (4); Likely benign (1).

Submissions 34 to 68 of 86:

Dr. Peter K. Rogan Lab, Western University
No classification provided (evidence only). Condition: Cholangiocarcinoma. Review status: no classification provided. Collection method: in vitro. Allele origin: not applicable. Functional consequence: retained intron. Not counted in ClinVar's aggregate classification.

Dr. Peter K. Rogan Lab, Western University
No classification provided (evidence only). Condition: Cholangiocarcinoma. Review status: no classification provided. Collection method: in vitro. Allele origin: not applicable. Functional consequence: retained intron. Not counted in ClinVar's aggregate classification.

Dr. Peter K. Rogan Lab, Western University
No classification provided (evidence only). Condition: Adrenocortical carcinoma, hereditary. Review status: no classification provided. Collection method: in vitro. Allele origin: not applicable. Functional consequence: retained intron. Not counted in ClinVar's aggregate classification.

Dr. Peter K. Rogan Lab, Western University
No classification provided (evidence only). Condition: Adrenocortical carcinoma, hereditary. Review status: no classification provided. Collection method: in vitro. Allele origin: not applicable. Functional consequence: retained intron. Not counted in ClinVar's aggregate classification.

Dr. Peter K. Rogan Lab, Western University
No classification provided (evidence only). Condition: Adrenocortical carcinoma, hereditary. Review status: no classification provided. Collection method: in vitro. Allele origin: not applicable. Functional consequence: retained intron. Not counted in ClinVar's aggregate classification.

Dr. Peter K. Rogan Lab, Western University
No classification provided (evidence only). Condition: Adrenocortical carcinoma, hereditary. Review status: no classification provided. Collection method: in vitro. Allele origin: not applicable. Functional consequence: retained intron. Not counted in ClinVar's aggregate classification.

Dr. Peter K. Rogan Lab, Western University
No classification provided (evidence only). Condition: Adrenocortical carcinoma, hereditary. Review status: no classification provided. Collection method: in vitro. Allele origin: not applicable. Functional consequence: retained intron. Not counted in ClinVar's aggregate classification.

Dr. Peter K. Rogan Lab, Western University
No classification provided (evidence only). Condition: Adrenocortical carcinoma, hereditary. Review status: no classification provided. Collection method: in vitro. Allele origin: not applicable. Functional consequence: retained intron. Not counted in ClinVar's aggregate classification.

Dr. Peter K. Rogan Lab, Western University
No classification provided (evidence only). Condition: Adrenocortical carcinoma, hereditary. Review status: no classification provided. Collection method: in vitro. Allele origin: not applicable. Functional consequence: retained intron. Not counted in ClinVar's aggregate classification.

Dr. Peter K. Rogan Lab, Western University
No classification provided (evidence only). Condition: Uterine carcinosarcoma. Review status: no classification provided. Collection method: in vitro. Allele origin: not applicable. Functional consequence: retained intron. Not counted in ClinVar's aggregate classification.

Dr. Peter K. Rogan Lab, Western University
No classification provided (evidence only). Condition: Uterine carcinosarcoma. Review status: no classification provided. Collection method: in vitro. Allele origin: not applicable. Functional consequence: retained intron. Not counted in ClinVar's aggregate classification.

Dr. Peter K. Rogan Lab, Western University
No classification provided (evidence only). Condition: Uterine carcinosarcoma. Review status: no classification provided. Collection method: in vitro. Allele origin: not applicable. Functional consequence: retained intron. Not counted in ClinVar's aggregate classification.

Dr. Peter K. Rogan Lab, Western University
No classification provided (evidence only). Condition: Uveal melanoma. Review status: no classification provided. Collection method: in vitro. Allele origin: not applicable. Functional consequence: retained intron. Not counted in ClinVar's aggregate classification.

Dr. Peter K. Rogan Lab, Western University
No classification provided (evidence only). Condition: Uveal melanoma. Review status: no classification provided. Collection method: in vitro. Allele origin: not applicable. Functional consequence: retained intron. Not counted in ClinVar's aggregate classification.

Dr. Peter K. Rogan Lab, Western University
No classification provided (evidence only). Condition: Uveal melanoma. Review status: no classification provided. Collection method: in vitro. Allele origin: not applicable. Functional consequence: retained intron. Not counted in ClinVar's aggregate classification.

Dr. Peter K. Rogan Lab, Western University
No classification provided (evidence only). Condition: Chronic lymphocytic leukemia/small lymphocytic lymphoma. Review status: no classification provided. Collection method: in vitro. Allele origin: not applicable. Functional consequence: retained intron. Not counted in ClinVar's aggregate classification.

Dr. Peter K. Rogan Lab, Western University
No classification provided (evidence only). Condition: Chronic lymphocytic leukemia/small lymphocytic lymphoma. Review status: no classification provided. Collection method: in vitro. Allele origin: not applicable. Functional consequence: retained intron. Not counted in ClinVar's aggregate classification.

Dr. Peter K. Rogan Lab, Western University
No classification provided (evidence only). Condition: Chronic lymphocytic leukemia/small lymphocytic lymphoma. Review status: no classification provided. Collection method: in vitro. Allele origin: not applicable. Functional consequence: retained intron. Not counted in ClinVar's aggregate classification.

Dr. Peter K. Rogan Lab, Western University
No classification provided (evidence only). Condition: Chronic lymphocytic leukemia/small lymphocytic lymphoma. Review status: no classification provided. Collection method: in vitro. Allele origin: not applicable. Functional consequence: retained intron. Not counted in ClinVar's aggregate classification.

Dr. Peter K. Rogan Lab, Western University
No classification provided (evidence only). Condition: Chronic lymphocytic leukemia/small lymphocytic lymphoma. Review status: no classification provided. Collection method: in vitro. Allele origin: not applicable. Functional consequence: retained intron. Not counted in ClinVar's aggregate classification.

Dr. Peter K. Rogan Lab, Western University
No classification provided (evidence only). Condition: Chronic lymphocytic leukemia/small lymphocytic lymphoma. Review status: no classification provided. Collection method: in vitro. Allele origin: not applicable. Functional consequence: skipped exon, retained intron. Not counted in ClinVar's aggregate classification.

Dr. Peter K. Rogan Lab, Western University
No classification provided (evidence only). Condition: Chronic lymphocytic leukemia/small lymphocytic lymphoma. Review status: no classification provided. Collection method: in vitro. Allele origin: not applicable. Functional consequence: retained intron. Not counted in ClinVar's aggregate classification.

Dr. Peter K. Rogan Lab, Western University
No classification provided (evidence only). Condition: Chronic lymphocytic leukemia/small lymphocytic lymphoma. Review status: no classification provided. Collection method: in vitro. Allele origin: not applicable. Functional consequence: retained intron. Not counted in ClinVar's aggregate classification.

Dr. Peter K. Rogan Lab, Western University
No classification provided (evidence only). Condition: Chronic lymphocytic leukemia/small lymphocytic lymphoma. Review status: no classification provided. Collection method: in vitro. Allele origin: not applicable. Functional consequence: retained intron. Not counted in ClinVar's aggregate classification.

Dr. Peter K. Rogan Lab, Western University
No classification provided (evidence only). Condition: Chronic lymphocytic leukemia/small lymphocytic lymphoma. Review status: no classification provided. Collection method: in vitro. Allele origin: not applicable. Functional consequence: retained intron. Not counted in ClinVar's aggregate classification.

Dr. Peter K. Rogan Lab, Western University
No classification provided (evidence only). Condition: Chronic lymphocytic leukemia/small lymphocytic lymphoma. Review status: no classification provided. Collection method: in vitro. Allele origin: not applicable. Functional consequence: retained intron. Not counted in ClinVar's aggregate classification.

Dr. Peter K. Rogan Lab, Western University
No classification provided (evidence only). Condition: Chronic lymphocytic leukemia/small lymphocytic lymphoma. Review status: no classification provided. Collection method: in vitro. Allele origin: not applicable. Functional consequence: skipped exon, retained intron. Not counted in ClinVar's aggregate classification.

Dr. Peter K. Rogan Lab, Western University
No classification provided (evidence only). Condition: Nonpapillary renal cell carcinoma. Review status: no classification provided. Collection method: in vitro. Allele origin: not applicable. Functional consequence: retained intron. Not counted in ClinVar's aggregate classification.

Dr. Peter K. Rogan Lab, Western University
No classification provided (evidence only). Condition: Nonpapillary renal cell carcinoma. Review status: no classification provided. Collection method: in vitro. Allele origin: not applicable. Functional consequence: retained intron. Not counted in ClinVar's aggregate classification.

Dr. Peter K. Rogan Lab, Western University
No classification provided (evidence only). Condition: Nonpapillary renal cell carcinoma. Review status: no classification provided. Collection method: in vitro. Allele origin: not applicable. Functional consequence: retained intron. Not counted in ClinVar's aggregate classification.

Dr. Peter K. Rogan Lab, Western University
No classification provided (evidence only). Condition: Nonpapillary renal cell carcinoma. Review status: no classification provided. Collection method: in vitro. Allele origin: not applicable. Functional consequence: retained intron. Not counted in ClinVar's aggregate classification.

Dr. Peter K. Rogan Lab, Western University
No classification provided (evidence only). Condition: Nonpapillary renal cell carcinoma. Review status: no classification provided. Collection method: in vitro. Allele origin: not applicable. Functional consequence: retained intron. Not counted in ClinVar's aggregate classification.

Dr. Peter K. Rogan Lab, Western University
No classification provided (evidence only). Condition: Nonpapillary renal cell carcinoma. Review status: no classification provided. Collection method: in vitro. Allele origin: not applicable. Functional consequence: skipped exon. Not counted in ClinVar's aggregate classification.

Dr. Peter K. Rogan Lab, Western University
No classification provided (evidence only). Condition: Nonpapillary renal cell carcinoma. Review status: no classification provided. Collection method: in vitro. Allele origin: not applicable. Functional consequence: retained intron. Not counted in ClinVar's aggregate classification.

Dr. Peter K. Rogan Lab, Western University
No classification provided (evidence only). Condition: Familial pancreatic carcinoma. Review status: no classification provided. Collection method: in vitro. Allele origin: not applicable. Functional consequence: retained intron. Not counted in ClinVar's aggregate classification.